The following is an entry in ClinVar:

NM_000214.3(JAG1):c.2935dup (p.Ile979fs)

Gene: JAG1 (jagged canonical Notch ligand 1; minus strand). Cytogenetic location: 20p12.2.
Variant type: Duplication.
Coding change: c.2935dup on transcript NM_000214.3 (MANE Select); coding-DNA position 2935, one base duplicated (A; older notation c.2935dupA).
Protein change: p.Ile979fs; shifts the reading frame from isoleucine 979.
Molecular consequence: frameshift variant.
Genome position (GRCh38, 1-based): chr20:10,641,226, T duplicated on the plus strand (A on the coding strand, the reverse complement: JAG1 is on the minus strand). VCF-style (leftmost placement, unchanged base first): chr20-10641225-A-AT. GRCh37 (hg19) VCF-style: chr20-10621873-A-AT.
Other names: short protein forms I979fs.
Identifiers: ClinVar variation 4710572 (VCV004710572.1).

ClinVar aggregate classification (germline): Pathogenic (1 of 4 stars; one submission).

Conditions:
Alagille syndrome due to a JAG1 point mutation. Also called: JAG1-Related Alagille Syndrome; HEPATIC DUCTULAR HYPOPLASIA, SYNDROMATIC; Alagille Syndrome 1. Identifiers: Orphanet 261619, Orphanet 52, MedGen C1956125, MONDO:0016862, OMIM 118450.

Submission:

Labcorp Genetics (formerly Invitae), Labcorp
Classification: Pathogenic for Alagille syndrome due to a JAG1 point mutation. Last evaluated: 2025-08-25. Review status: criteria provided, single submitter. Criteria: Invitae Variant Classification Sherloc (09022015). Collection method: clinical testing. Allele origin: germline.
Comment: This sequence change creates a premature translational stop signal (p.Ile979Asnfs*4) in the JAG1 gene. It is expected to result in an absent or disrupted protein product. Loss-of-function variants in JAG1 are known to be pathogenic (PMID: 11180599). This variant is not present in population databases (gnomAD no frequency). This premature translational stop signal has been observed in individual(s) with Alagille syndrome (PMID: 16575836). For these reasons, this variant has been classified as Pathogenic.

Literature cited by the submitters: PubMed 11180599; PubMed 16575836.